The following is an entry in ClinVar:

NM_000492.4(CFTR):c.4322T>C (p.Ile1441Thr)

Genes: CFTR (CF transmembrane conductance regulator; plus strand), LOC111674477 (CFTR intron 23 enhancer; plus strand). Cytogenetic location: 7q31.2.
Variant type: single nucleotide variant.
Coding change: c.4322T>C on transcript NM_000492.4 (MANE Select); coding-DNA position 4322, T replaced by C.
Protein change: p.Ile1441Thr; replaces isoleucine 1441 with threonine.
Molecular consequence: missense variant.
Genome position (GRCh38, 1-based): chr7:117,666,987, T>C. VCF-style: chr7-117666987-T-C. GRCh37 (hg19) VCF-style: chr7-117307041-T-C.
Other names: short protein forms I1441T.
Identifiers: ClinVar variation 281792 (VCV000281792.12), dbSNP rs766659587, ClinGen allele CA4451691.

ClinVar aggregate classification (germline): Uncertain significance. Review status: criteria provided, multiple submitters, no conflicts (2 of 4 stars). 5 submissions from 5 submitters: Uncertain significance (4). 1 of the submissions does not count toward it. Last evaluated 2021-09-05.

Conditions:
CFTR-related disorder (CFTR-RD). Also called: CFTR-related disorders; CFTR-related condition. Identifiers: MedGen C5924204, MONDO:7770004.
Cystic fibrosis (CF). Also called: MUCOVISCIDOSIS. Identifiers: Orphanet 586, MedGen C0010674, MONDO:0009061, OMIM 219700. Disease mechanism: loss of function.

Allele frequency attached by ClinVar (database versions not stated): gnomAD exomes below 0.00001 and 0.00001; ExAC 0.00001.
gnomAD v4.1: 6 of 1,613,934 alleles (0.00037%); highest among the groups gnomAD compares: Middle Eastern, 0.016%; no homozygotes.

Submissions (5):

Genome-Nilou Lab
Classification: Uncertain significance for Cystic fibrosis. Last evaluated: 2021-09-05. Review status: criteria provided, single submitter. Criteria: ACMG Guidelines, 2015. Collection method: clinical testing. Allele origin: germline. Affected: no.

Labcorp Genetics (formerly Invitae), Labcorp
Classification: Uncertain significance for Cystic fibrosis. Last evaluated: 2021-08-31. Review status: criteria provided, single submitter. Criteria: Invitae Variant Classification Sherloc (09022015). Collection method: clinical testing. Allele origin: germline.
Comment: This sequence change replaces isoleucine with threonine at codon 1441 of the CFTR protein (p.Ile1441Thr). The isoleucine residue is moderately conserved and there is a moderate physicochemical difference between isoleucine and threonine. This variant is present in population databases (rs766659587, ExAC 0.006%). This variant has not been reported in the literature in individuals affected with CFTR-related conditions. ClinVar contains an entry for this variant (Variation ID: 281792). Algorithms developed to predict the effect of missense changes on protein structure and function are either unavailable or do not agree on the potential impact of this missense change (SIFT: "Deleterious"; PolyPhen-2: "Benign"; Align-GVGD: "Class C15"). In summary, the available evidence is currently insufficient to determine the role of this variant in disease. Therefore, it has been classified as a Variant of Uncertain Significance.

Ambry Genetics
Classification: Uncertain significance for Cystic fibrosis. Last evaluated: 2018-09-11. Review status: criteria provided, single submitter. Criteria: Ambry Variant Classification Scheme 2023. Collection method: clinical testing. Allele origin: germline.
Comment: The p.I1441T variant (also known as c.4322T>C), located in coding exon 27 of the CFTR gene, results from a T to C substitution at nucleotide position 4322. The isoleucine at codon 1441 is replaced by threonine, an amino acid with similar properties. This amino acid position is well conserved in available vertebrate species. In addition, the in silico prediction for this alteration is inconclusive. Since supporting evidence is limited at this time, the clinical significance of this alteration remains unclear.

Eurofins Ntd Llc (ga)
Classification: Uncertain significance. Last evaluated: 2015-06-26. Review status: criteria provided, single submitter. Criteria: EGL Classification Definitions 2015. Collection method: clinical testing. Allele origin: germline. Observed: 1 variant allele, 1 heterozygote.

Natera, Inc.
Classification: Uncertain significance for CFTR-related disorders. Last evaluated: 2018-08-14. Review status: no assertion criteria provided. Collection method: clinical testing. Allele origin: germline. Not counted in ClinVar's aggregate classification.